The following is an entry in ClinVar:

NM_014698.3(TMEM63A):c.1505T>C (p.Met502Thr)

Gene: TMEM63A (transmembrane protein 63A; minus strand). Cytogenetic location: 1q42.12.
Variant type: single nucleotide variant.
Coding change: c.1505T>C on transcript NM_014698.3 (MANE Select); coding-DNA position 1505, T replaced by C.
Protein change: p.Met502Thr; replaces methionine 502 with threonine.
Molecular consequence: missense variant.
Genome position (GRCh38, 1-based): chr1:225,856,718, A>G on the plus strand (T>C on the coding strand, the complement: TMEM63A is on the minus strand). VCF-style: chr1-225856718-A-G. GRCh37 (hg19) VCF-style: chr1-226044419-A-G.
Other names: short protein forms M502T.
Identifiers: ClinVar variation 2352131 (VCV002352131.6), dbSNP rs367878173, ClinGen allele CA1419132.

ClinVar aggregate classification (germline): Likely benign. Review status: criteria provided, multiple submitters, no conflicts (2 of 4 stars). 2 submissions from 2 submitters: Likely benign (2). Last evaluated 2026-09-01.

Conditions:
Inborn genetic diseases. Identifiers: MedGen C0950123, MeSH D030342.

Allele frequency attached by ClinVar (database versions not stated): TOPMed 0.00004; gnomAD 0.00005; gnomAD exomes 0.00005; ESP Exome Variant Server 0.00008; ExAC 0.00009.
gnomAD v4.1: 86 of 1,613,808 alleles (0.0053%); highest among the groups gnomAD compares: Non-Finnish European, 0.0064%; no homozygotes.

Submissions (2):

CeGaT Center for Human Genetics Tuebingen
Classification: Likely benign. Last evaluated: 2026-09-01. Review status: criteria provided, single submitter. Criteria: CeGaT Center For Human Genetics Tuebingen Variant Classification Criteria Version 2. Collection method: clinical testing. Allele origin: germline. Affected: yes. Observed: 2 variant alleles.
Comment: TMEM63A: BP4

Ambry Genetics
Classification: Likely benign for Inborn genetic diseases. Last evaluated: 2022-10-06. Review status: criteria provided, single submitter. Criteria: Ambry Variant Classification Scheme 2023. Collection method: clinical testing. Allele origin: germline.